The following is an entry in ClinVar:

ClinVar aggregate classification (germline): Likely benign. Review status: criteria provided, multiple submitters, no conflicts (2 of 4 stars). 3 submissions from 3 submitters: Likely benign (2). 1 of the submissions does not count toward it. Last evaluated 2018-07-02.

Conditions:
NF1-related disorder. Also called: NF1-related condition. Identifiers: MedGen CN379171.
Cardiovascular phenotype. Identifiers: MedGen CN230736.
Hereditary cancer-predisposing syndrome. Also called: Neoplastic Syndromes, Hereditary; Tumor predisposition; Hereditary Cancer Syndrome; Hereditary neoplastic syndrome. Identifiers: Orphanet 140162, MedGen C0027672, MeSH D009386, MONDO:0015356.

Allele frequency attached by ClinVar (database versions not stated): ExAC 0.00469.

Submissions (3):

Ambry Genetics
Classification: Likely benign for Cardiovascular phenotype; Hereditary cancer-predisposing syndrome. Last evaluated: 2018-07-02. Review status: criteria provided, single submitter. Criteria: Ambry Variant Classification Scheme 2023. Collection method: clinical testing. Allele origin: germline.

GeneDx
Classification: Likely benign. Last evaluated: 2018-06-22. Review status: criteria provided, single submitter. Criteria: GeneDx Variant Classification Process June 2021. Collection method: clinical testing. Allele origin: germline. Affected: yes.
Comment: This variant is associated with the following publications: (PMID: 29619247)

PreventionGenetics, part of Exact Sciences
Classification: Likely benign for NF1-related condition. Last evaluated: 2020-08-13. Review status: no assertion criteria provided. Collection method: clinical testing. Allele origin: germline. Not counted in ClinVar's aggregate classification.
Comment: This variant is classified as likely benign based on ACMG/AMP sequence variant interpretation guidelines (Richards et al. 2015 PMID: 25741868, with internal and published modifications).

NM_001042492.3(NF1):c.3200A>T (p.Asp1067Val)

Gene: NF1 (neurofibromin 1; plus strand). Cytogenetic location: 17q11.2.
Variant type: single nucleotide variant.
Coding change: c.3200A>T on transcript NM_001042492.3 (MANE Select); coding-DNA position 3200, A replaced by T.
Protein change: p.Asp1067Val; replaces aspartic acid 1067 with valine.
Molecular consequence: missense variant.
Genome position (GRCh38, 1-based): chr17:31,232,075, A>T. VCF-style: chr17-31232075-A-T. GRCh37 (hg19) VCF-style: chr17-29559093-A-T.
Other names: c.3200A>T, p.Asp1067Val (NM_000267.4); short protein forms D1067V.
Identifiers: ClinVar variation 481876 (VCV000481876.10), dbSNP rs746785904, ClinGen allele CA8486124.